The following is an entry in ClinVar:

NM_005236.3(ERCC4):c.792G>A (p.Lys264=)

Gene: ERCC4 (ERCC excision repair 4, endonuclease catalytic subunit; plus strand). Cytogenetic location: 16p13.12.
Variant type: single nucleotide variant.
Coding change: c.792G>A on transcript NM_005236.3 (MANE Select); coding-DNA position 792, G replaced by A.
Protein change: p.Lys264=; no amino-acid change (lysine 264 retained).
Molecular consequence: synonymous variant.
Genome position (GRCh38, 1-based): chr16:13,928,235, G>A. VCF-style: chr16-13928235-G-A. GRCh37 (hg19) VCF-style: chr16-14022092-G-A.
Identifiers: ClinVar variation 3755636 (VCV003755636.2).

ClinVar aggregate classification (germline): Uncertain significance (1 of 4 stars; one submission).

Conditions:
Xeroderma pigmentosum, group F (XPF). Also called: XERODERMA PIGMENTOSUM, COMPLEMENTATION GROUP F; XERODERMA PIGMENTOSUM VI; XP, GROUP F; ERCC4-Related Xeroderma Pigmentosum; XERODERMA PIGMENTOSUM, TYPE F; Xeroderma pigmentosum, type 6. Identifiers: MedGen C0268140, MONDO:0010215, OMIM 278760.
Fanconi anemia complementation group Q. Identifiers: Orphanet 84, MedGen C3808988, MONDO:0014108, OMIM 615272.
Cockayne syndrome. Identifiers: Orphanet 191, MedGen C0009207, MONDO:0016006.

Submission:

Labcorp Genetics (formerly Invitae), Labcorp
Classification: Uncertain significance for Fanconi anemia complementation group Q; Xeroderma pigmentosum, group F; Cockayne syndrome. Last evaluated: 2024-04-02. Review status: criteria provided, single submitter. Criteria: Invitae Variant Classification Sherloc (09022015). Collection method: clinical testing. Allele origin: germline.
Comment: This sequence change affects codon 264 of the ERCC4 mRNA. It is a 'silent' change, meaning that it does not change the encoded amino acid sequence of the ERCC4 protein. This variant also falls at the last nucleotide of exon 4, which is part of the consensus splice site for this exon. This variant is not present in population databases (gnomAD no frequency). This variant has not been reported in the literature in individuals affected with ERCC4-related conditions. Variants that disrupt the consensus splice site are a relatively common cause of aberrant splicing (PMID: 17576681, 9536098). Algorithms developed to predict the effect of sequence changes on RNA splicing suggest that this variant may disrupt the consensus splice site. In summary, the available evidence is currently insufficient to determine the role of this variant in disease. Therefore, it has been classified as a Variant of Uncertain Significance.

Literature cited by the submitters: PubMed 17576681; PubMed 9536098.